The following is an entry in ClinVar:

ClinVar aggregate classification (germline): Uncertain significance (1 of 4 stars; one submission).

Conditions:
Inborn genetic diseases. Identifiers: MedGen C0950123, MeSH D030342.

gnomAD v4.1: 1 of 1,613,168 alleles (0.000062%); highest among the groups gnomAD compares: Non-Finnish European, 0.000085%; no homozygotes.

Submission:

Ambry Genetics
Classification: Uncertain significance for Inborn genetic diseases. Last evaluated: 2025-09-07. Review status: criteria provided, single submitter. Criteria: Ambry Variant Classification Scheme 2023. Collection method: clinical testing. Allele origin: germline.
Comment: The p.L843S variant (also known as c.2528T>C), located in coding exon 9 of the MECOM gene, results from a T to C substitution at nucleotide position 2528. The leucine at codon 843 is replaced by serine, an amino acid with dissimilar properties. This amino acid position is conserved. In addition, the in silico prediction for this alteration is inconclusive. Based on the available evidence, the clinical significance of this variant remains unclear.

NM_004991.4(MECOM):c.2528T>C (p.Leu843Ser)

Gene: MECOM (MDS1 and EVI1 complex locus; minus strand). Cytogenetic location: 3q26.2.
Variant type: single nucleotide variant.
Coding change: c.2528T>C on transcript NM_004991.4 (MANE Select); coding-DNA position 2528, T replaced by C.
Protein change: p.Leu843Ser; replaces leucine 843 with serine.
Molecular consequence: missense variant.
Genome position (GRCh38, 1-based): chr3:169,112,836, A>G on the plus strand (T>C on the coding strand, the complement: MECOM is on the minus strand). VCF-style: chr3-169112836-A-G. GRCh37 (hg19) VCF-style: chr3-168830624-A-G.
Other names: c.2159T>C, p.Leu720Ser (NM_001105077.4); c.1964T>C, p.Leu655Ser (NM_001105078.4, NM_001164000.2, NM_001205194.2 and 4 more transcripts); c.1967T>C, p.Leu656Ser (NM_001163999.2, NM_001366467.2, NM_001366468.2 and 1 more transcripts); c.2528T>C, p.Leu843Ser (NM_001366466.2); c.1556T>C, p.Leu519Ser (NM_001366473.2); c.992T>C, p.Leu331Ser (NM_001366474.2); short protein forms L331S, L656S, L720S, L843S, L655S, L519S.
Identifiers: ClinVar variation 4105915 (VCV004105915.1).